The following is an entry in ClinVar:

ClinVar aggregate classification (germline): Uncertain significance (0 of 4 stars; one submission).

Conditions:
MAPT-related disorder. Also called: MAPT-related condition; MAPT-Related Disorders.

Submission:

PreventionGenetics, part of Exact Sciences
Classification: Uncertain significance for MAPT-related condition. Last evaluated: 2024-02-22. Review status: no assertion criteria provided. Collection method: clinical testing. Allele origin: germline.
Comment: The MAPT c.323T>A variant is predicted to result in the amino acid substitution p.Ile108Asn. To our knowledge, this variant has not been reported in the literature or in a large population database, indicating this variant is rare. At this time, the clinical significance of this variant is uncertain due to the absence of conclusive functional and genetic evidence.

NM_001377265.1(MAPT):c.236T>A (p.Ile79Asn)

Gene: MAPT (microtubule associated protein tau). Cytogenetic location: 17q21.31.
Variant type: single nucleotide variant.
Coding change: c.236T>A on transcript NM_001377265.1 (MANE Select); coding-DNA position 236, T replaced by A.
Protein change: p.Ile79Asn; replaces isoleucine 79 with asparagine.
Molecular consequence: missense variant. On other transcripts: non-coding transcript variant (1).
Genome position (GRCh38, 1-based): chr17:45,978,390, T>A. VCF-style: chr17-45978390-T-A. GRCh37 (hg19) VCF-style: chr17-44055756-T-A.
Other names: c.323T>A, p.Ile108Asn (NM_001123066.4, NM_001203252.2, NM_005910.6 and 1 more transcripts); c.236T>A, p.Ile79Asn (NM_001123067.4, NM_001203251.2, NM_001377266.1 and 1 more transcripts); c.149T>A, p.Ile50Asn (NM_001377268.1, NM_016834.5, NM_016841.5); short protein forms I108N, I50N, I79N.
Identifiers: ClinVar variation 3040461 (VCV003040461.2), dbSNP rs372299656, ClinGen allele CA399899367.